The following is an entry in ClinVar:

ClinVar aggregate classification (germline): Benign. Review status: criteria provided, single submitter (1 of 4 stars). 3 submissions from 3 submitters: Benign (1). 2 of the submissions do not count toward it. Last evaluated 2026-09-01.

Conditions:
Tuberous sclerosis syndrome (TSC). Also called: Tuberous Sclerosis Complex; Tuberous sclerosis. Identifiers: Orphanet 805, MedGen C0041341, MONDO:0001734.

Allele frequency attached by ClinVar (database versions not stated): 1000 Genomes Project 0.00280; 1000 Genomes Project 30x 0.00328; ESP Exome Variant Server 0.00395; TOPMed 0.00403; gnomAD 0.00456; gnomAD exomes 0.00491; ExAC 0.00592.
gnomAD v4.1: 9,555 of 1,538,092 alleles (0.62%); highest among the groups gnomAD compares: Non-Finnish European, 0.71%; 38 homozygotes.

Submissions (3):

CeGaT Center for Human Genetics Tuebingen
Classification: Benign. Last evaluated: 2026-09-01. Review status: criteria provided, single submitter. Criteria: CeGaT Center For Human Genetics Tuebingen Variant Classification Criteria Version 2. Collection method: clinical testing. Allele origin: germline. Affected: yes. Observed: 72 variant alleles.
Comment: TSC2: BS1, BS2

ITMI
No classification provided. Condition: AllHighlyPenetrant. Last evaluated: 2013-09-19. Review status: no classification provided. Collection method: reference population. Allele origin: germline. Not counted in ClinVar's aggregate classification.
Comment: Please see associated publication for description of ethnicities

Tuberous sclerosis database (TSC2)
No classification provided. Condition: TSC. Review status: no classification provided. Criteria: Tuberous Sclerosis Database Assertion Criteria 2015. Collection method: curation. Allele origin: germline. Affected: yes. Not counted in ClinVar's aggregate classification.

Literature cited by the submitters: PubMed 24728327 (cited by ITMI).

NM_000548.5(TSC2):c.336+32C>T

Gene: TSC2 (TSC complex subunit 2; plus strand). Cytogenetic location: 16p13.3.
Variant type: single nucleotide variant.
Coding change: c.336+32C>T on transcript NM_000548.5 (MANE Select); 32 bases into the intron after coding-DNA position 336, C replaced by T.
Molecular consequence: intron variant.
Genome position (GRCh38, 1-based): chr16:2,053,484, C>T. VCF-style: chr16-2053484-C-T. GRCh37 (hg19) VCF-style: chr16-2103485-C-T.
Other names: c.336+32C>T (NM_001114382.3, NM_021055.3, NM_001370405.1 and 3 more transcripts); c.226-812C>T (NM_001318827.2); c.-1-2712C>T (NM_001318831.2); c.189+32C>T (NM_001318829.2); c.369+32C>T (NM_001318832.2).
Identifiers: ClinVar variation 49809 (VCV000049809.33), dbSNP rs45517103, ClinGen allele CA018987.
Genomic context (GRCh38, chr16:2,053,484, plus strand): 5'-CTCTGCTGAAGGCCATCGTGCAGGGGCAGGTAAGGCCCAGGGCGACGCTGGGATGGGTGA[C>T]GTCAGGCTGCCCACTGACTGTCCTGTCCCTGCTGGGCCGTGTTTGGACTCCTGCCTCGGT-3'